The following is an entry in ClinVar:

ClinVar aggregate classification (germline): Uncertain significance (1 of 4 stars; one submission).

Conditions:
CAMTA1-related disorder. Also called: CAMTA1-related condition.

Submission:

PreventionGenetics, part of Exact Sciences
Classification: Uncertain significance for CAMTA1-related condition. Last evaluated: 2023-07-31. Review status: criteria provided, single submitter. Criteria: ACMG Guidelines, 2015. Collection method: clinical testing. Allele origin: germline.
Comment: The CAMTA1 c.2272A>T variant is predicted to result in the amino acid substitution p.Met758Leu. To our knowledge, this variant has not been reported in the literature or in a large population database, indicating this variant is rare. At this time, the clinical significance of this variant is uncertain due to the absence of conclusive functional and genetic evidence.

NM_015215.4(CAMTA1):c.2272A>T (p.Met758Leu)

Gene: CAMTA1 (calmodulin binding transcription activator 1; plus strand). Cytogenetic location: 1p36.23.
Variant type: single nucleotide variant.
Coding change: c.2272A>T on transcript NM_015215.4 (MANE Select); coding-DNA position 2272, A replaced by T.
Protein change: p.Met758Leu; replaces methionine 758 with leucine.
Molecular consequence: missense variant.
Genome position (GRCh38, 1-based): chr1:7,664,819, A>T. VCF-style: chr1-7664819-A-T. GRCh37 (hg19) VCF-style: chr1-7724879-A-T.
Other names: c.2182A>T, p.Met728Leu (NM_001349608.2, NM_001349612.2); c.2272A>T, p.Met758Leu (NM_001349609.2, NM_001349610.2, NM_001410737.1); c.2200A>T, p.Met734Leu (NM_001410738.1); short protein forms M728L, M734L, M758L.
Identifiers: ClinVar variation 2631611 (VCV002631611.1), dbSNP rs754158723, ClinGen allele CA338133362.